The following is an entry in ClinVar:

NM_021975.4(RELA):c.875C>G (p.Thr292Arg)

Gene: RELA (RELA proto-oncogene, NF-kB subunit; minus strand). Cytogenetic location: 11q13.1.
Variant type: single nucleotide variant.
Coding change: c.875C>G on transcript NM_021975.4 (MANE Select); coding-DNA position 875, C replaced by G.
Protein change: p.Thr292Arg; replaces threonine 292 with arginine.
Molecular consequence: missense variant.
Genome position (GRCh38, 1-based): chr11:65,658,289, G>C on the plus strand (C>G on the coding strand, the complement: RELA is on the minus strand). VCF-style: chr11-65658289-G-C. GRCh37 (hg19) VCF-style: chr11-65425760-G-C.
Other names: c.866C>G, p.Thr289Arg (NM_001145138.2); c.875C>G, p.Thr292Arg (NM_001243984.2, NM_001243985.2); c.908C>G, p.Thr303Arg (NM_001404657.1); c.848C>G, p.Thr283Arg (NM_001404658.1); c.494C>G, p.Thr165Arg (NM_001404661.1); c.782C>G, p.Thr261Arg (NM_001404662.1, NM_001404663.1); short protein forms T165R, T261R, T283R, T289R, T292R, T303R.
Identifiers: ClinVar variation 2048081 (VCV002048081.4), dbSNP rs2496845522, ClinGen allele CA381390518.

ClinVar aggregate classification (germline): Uncertain significance (1 of 4 stars; one submission).

Allele frequency attached by ClinVar (database versions not stated): gnomAD exomes below 0.00001.
gnomAD v4.1: 1 of 1,591,342 alleles (0.000063%); highest among the groups gnomAD compares: South Asian, 0.0011%; no homozygotes.

Submission:

Labcorp Genetics (formerly Invitae), Labcorp
Classification: Uncertain significance. Last evaluated: 2022-09-07. Review status: criteria provided, single submitter. Criteria: Invitae Variant Classification Sherloc (09022015). Collection method: clinical testing. Allele origin: germline.
Comment: In summary, the available evidence is currently insufficient to determine the role of this variant in disease. Therefore, it has been classified as a Variant of Uncertain Significance. Algorithms developed to predict the effect of missense changes on protein structure and function (SIFT, PolyPhen-2, Align-GVGD) all suggest that this variant is likely to be tolerated. This variant has not been reported in the literature in individuals affected with RELA-related conditions. This variant is not present in population databases (gnomAD no frequency). This sequence change replaces threonine, which is neutral and polar, with arginine, which is basic and polar, at codon 292 of the RELA protein (p.Thr292Arg).